The following is an entry in ClinVar:

ClinVar aggregate classification (germline): Uncertain significance (1 of 4 stars; one submission).

Conditions:
Dilated cardiomyopathy 1AA (CMD1AA). Also called: Cardiomyopathy, dilated, 1AA, with or without LVNC; CARDIOMYOPATHY, DILATED, 1AA, WITH OR WITHOUT LEFT VENTRICULAR NONCOMPACTION; CARDIOMYOPATHY, FAMILIAL HYPERTROPHIC, 23, WITH OR WITHOUT LEFT VENTRICULAR NONCOMPACTION. Identifiers: Orphanet 154, MedGen C2677338, MONDO:0012808, OMIM 612158.
Primary familial hypertrophic cardiomyopathy (HCM). Identifiers: Orphanet 99739, MedGen C0949658, MeSH D024741, MONDO:0024573. Inheritance: Various modes of inheritance.

gnomAD v4.1: 2 of 1,614,218 alleles (0.00012%); highest among the groups gnomAD compares: Non-Finnish European, 0.00017%; no homozygotes.

Submission:

Labcorp Genetics (formerly Invitae), Labcorp
Classification: Uncertain significance for Primary familial hypertrophic cardiomyopathy; Dilated cardiomyopathy 1AA. Last evaluated: 2024-12-08. Review status: criteria provided, single submitter. Criteria: Invitae Variant Classification Sherloc (09022015). Collection method: clinical testing. Allele origin: germline.
Comment: This sequence change replaces glutamine, which is neutral and polar, with arginine, which is basic and polar, at codon 380 of the ACTN2 protein (p.Gln380Arg). This variant is not present in population databases (gnomAD no frequency). This variant has not been reported in the literature in individuals affected with ACTN2-related conditions. Invitae Evidence Modeling of protein sequence and biophysical properties (such as structural, functional, and spatial information, amino acid conservation, physicochemical variation, residue mobility, and thermodynamic stability) indicates that this missense variant is not expected to disrupt ACTN2 protein function with a negative predictive value of 80%. In summary, the available evidence is currently insufficient to determine the role of this variant in disease. Therefore, it has been classified as a Variant of Uncertain Significance.

NM_001103.4(ACTN2):c.1139A>G (p.Gln380Arg)

Gene: ACTN2 (actinin alpha 2; plus strand). Cytogenetic location: 1q43.
Variant type: single nucleotide variant.
Coding change: c.1139A>G on transcript NM_001103.4 (MANE Select); coding-DNA position 1139, A replaced by G.
Protein change: p.Gln380Arg; replaces glutamine 380 with arginine.
Molecular consequence: missense variant. On other transcripts: non-coding transcript variant (1).
Genome position (GRCh38, 1-based): chr1:236,742,927, A>G. VCF-style: chr1-236742927-A-G. GRCh37 (hg19) VCF-style: chr1-236906227-A-G.
Other names: c.1139A>G, p.Gln380Arg (NM_001278343.2); short protein forms Q380R.
Identifiers: ClinVar variation 3760522 (VCV003760522.2).